The following is an entry in ClinVar:

ClinVar aggregate classification (germline): Uncertain significance (1 of 4 stars; one submission).

Conditions:
Familial thoracic aortic aneurysm and aortic dissection (TAAD). Also called: Thoracic aortic aneurysms and dissections. Identifiers: Orphanet 91387, MedGen C4707243, MONDO:0019625.

Allele frequency attached by ClinVar (database versions not stated): TOPMed below 0.00001; gnomAD 0.00001.
gnomAD v4.1: 1 of 1,613,894 alleles (0.000062%); highest among the groups gnomAD compares: Non-Finnish European, 0.000085%; no homozygotes.

Submission:

Ambry Genetics
Classification: Uncertain significance for Familial thoracic aortic aneurysm and aortic dissection. Last evaluated: 2020-12-28. Review status: criteria provided, single submitter. Criteria: Ambry Variant Classification Scheme 2023. Collection method: clinical testing. Allele origin: germline.
Comment: The c.2233-3T>C intronic variant results from a T to C substitution 3 nucleotides upstream from coding exon 25 in the COL5A1 gene. This nucleotide position is well conserved in available vertebrate species. In silico splice site analysis predicts that this alteration will not have any significant effect on splicing. Since supporting evidence is limited at this time, the clinical significance of this alteration remains unclear.

NM_000093.5(COL5A1):c.2233-3T>C

Gene: COL5A1 (collagen type V alpha 1 chain; plus strand). Cytogenetic location: 9q34.3.
Variant type: single nucleotide variant.
Coding change: c.2233-3T>C on transcript NM_000093.5 (MANE Select); 3 bases into the intron before coding-DNA position 2233, T replaced by C.
Molecular consequence: intron variant.
Genome position (GRCh38, 1-based): chr9:134,768,407, T>C. VCF-style: chr9-134768407-T-C. GRCh37 (hg19) VCF-style: chr9-137660253-T-C.
Other names: c.2233-3T>C (NM_001278074.1).
Identifiers: ClinVar variation 1788148 (VCV001788148.2), dbSNP rs1366390464, ClinGen allele CA860887795.